The following is an entry in ClinVar:

ClinVar aggregate classification (germline): Conflicting classifications of pathogenicity. Review status: criteria provided, conflicting classifications (1 of 4 stars). 10 submissions from 9 submitters: Uncertain significance (6); Likely benign (1). 3 of the submissions do not count toward it. Last evaluated 2026-06-25.

Conditions:
BRIP1-related disorder. Also called: BRIP1-related condition; BRIP1-related disorders. Identifiers: MedGen CN239206.
Familial cancer of breast. Also called: Hereditary breast cancer; BREAST CANCER, FAMILIAL; hereditary breast carcinoma. Identifiers: Orphanet 227535, MedGen C0346153, MONDO:0016419, OMIM 114480. Disease mechanism: loss of function.
Fanconi anemia complementation group J. Also called: BRIP1-Related Fanconi Anemia. Identifiers: Orphanet 84, MedGen C1836860, MONDO:0012187, OMIM 609054.
Ovarian cancer. Also called: OVARIAN CANCER, SOMATIC. Identifiers: Orphanet 213500, MedGen C1140680, MONDO:0008170, OMIM 167000.
Hereditary cancer-predisposing syndrome. Also called: Neoplastic Syndromes, Hereditary; Tumor predisposition; Hereditary neoplastic syndrome; Hereditary Cancer Syndrome. Identifiers: Orphanet 140162, MedGen C0027672, MeSH D009386, MONDO:0015356.

Allele frequency attached by ClinVar (database versions not stated): TOPMed 0.00002; 1000 Genomes Project 0.00020; 1000 Genomes Project 30x 0.00031.
gnomAD v4.1: 28 of 1,614,044 alleles (0.0017%); highest among the groups gnomAD compares: Admixed American, 0.0083%; 1 homozygote.

Submissions (10):

PreventionGenetics, part of Exact Sciences
Classification: Uncertain significance for BRIP1-related condition. Last evaluated: 2026-06-25. Review status: criteria provided, single submitter. Criteria: ACMG Guidelines, 2015. Collection method: clinical testing. Allele origin: germline.
Comment: The BRIP1 c.370A>G variant is predicted to result in the amino acid substitution p.Thr124Ala. This variant has been reported in individuals with breast cancer and suspected Lynch syndrome (Breast Cancer Association Consortium et al. 2021. PubMed ID: 33471991; Dong et al. 2021. PubMed ID: 34570441; Supplementary Table 2, Yurgelun et al. 2015. PubMed ID: 25980754). However, it has also been reported in unaffected control individuals in breast cancer studies (Breast Cancer Association Consortium et al. 2021. PubMed ID: 33471991; Supplementary Table 2, Seal et al. 2006. PubMed ID: 17033622). This variant is reported in 0.011% of alleles in individuals of Latino descent in gnomAD and has conflicting interpretations regarding its pathogenicity in ClinVar, ranging from likely benign to uncertain (Variation ID: 182371). At this time, the clinical significance of this variant is uncertain due to the absence of conclusive functional and genetic evidence.

Labcorp Genetics (formerly Invitae), Labcorp
Classification: Uncertain significance for Familial cancer of breast; Fanconi anemia complementation group J. Last evaluated: 2026-01-28. Review status: criteria provided, single submitter. Criteria: Invitae Variant Classification Sherloc (09022015). Collection method: clinical testing. Allele origin: germline.
Comment: This sequence change replaces threonine, which is neutral and polar, with alanine, which is neutral and non-polar, at codon 124 of the BRIP1 protein (p.Thr124Ala). This variant is present in population databases (rs45617634, gnomAD 0.01%). This missense change has been observed in individual(s) with suspected Lynch syndrome (PMID: 17033622, 25980754, 34570441). ClinVar contains an entry for this variant (Variation ID: 182371). Invitae Evidence Modeling of protein sequence and biophysical properties (such as structural, functional, and spatial information, amino acid conservation, physicochemical variation, residue mobility, and thermodynamic stability) indicates that this missense variant is not expected to disrupt BRIP1 protein function with a negative predictive value of 95%. In summary, the available evidence is currently insufficient to determine the role of this variant in disease. Therefore, it has been classified as a Variant of Uncertain Significance.

Quest Diagnostics Nichols Institute San Juan Capistrano
Classification: Uncertain significance. Last evaluated: 2025-06-19. Review status: criteria provided, single submitter. Criteria: Quest Diagnostics criteria. Collection method: clinical testing. Allele origin: unknown.
Comment: The BRIP1 c.370A>G (p.Thr124Ala) variant has been reported in the published literature in an individual with a Lynch Syndrome associated cancer (PMID: 25980754 (2015)), hereditary breast cancer family (PMID: 34570441 (2021)) as well as in a reportedly unaffected individual (PMID: 17033622 (2006)). Additionally, in a large-scale breast cancer association study, the variant was observed in individuals with breast cancer as well as in reportedly unaffected individuals (PMID: 33471991 (2021), see also LOVD). The frequency of this variant in the general population (Genome Aggregation Database) is uninformative in the assessment of its pathogenicity. Analysis of this variant using bioinformatics tools for the prediction of the effect of amino acid changes on protein structure and function yielded predictions that this variant is benign. Based on the available information, we are unable to determine the clinical significance of this variant.

Color Diagnostics, LLC DBA Color Health
Classification: Uncertain significance for Hereditary cancer-predisposing syndrome. Last evaluated: 2025-01-28. Review status: criteria provided, single submitter. Criteria: ACMG Guidelines, 2015. Collection method: clinical testing. Allele origin: germline.
Comment: This missense variant replaces threonine with alanine at codon 124 of the BRIP1 protein. Computational prediction suggests that this variant may not impact protein structure and function. To our knowledge, functional studies have not been reported for this variant. This variant has been reported in a family with hereditary breast cancer (PMID: 34570441) as well as in an individual affected with Lynch syndrome-associated cancer and/or polyps (PMID: 25980754). In an international breast cancer case-control meta-analysis, this variant was detected in 6/60466 cases and 2/53461 unaffected controls (PMID: 33471991). This variant has been identified in 7/282800 chromosomes in the general population by the Genome Aggregation Database (gnomAD). The available evidence is insufficient to determine the role of this variant in disease conclusively. Therefore, this variant is classified as a Variant of Uncertain Significance.

GeneDx
Classification: Uncertain significance. Last evaluated: 2023-10-11. Review status: criteria provided, single submitter. Criteria: GeneDx Variant Classification Process June 2021. Collection method: clinical testing. Allele origin: germline. Affected: yes.
Comment: In silico analysis supports that this missense variant does not alter protein structure/function; Observed in individuals with breast cancer or a personal history of a Lynch syndrome associated cancer and/or polyps (Yurgelun et al., 2015; Dong et al., 2021); This variant is associated with the following publications: (PMID: 25980754, 17033622, 32703503, 34570441)

Myriad Genetics, Inc.
Classification: Uncertain significance for Familial cancer of breast. Last evaluated: 2023-02-28. Review status: criteria provided, single submitter. Criteria: Myriad Autosomal Dominant, Autosomal Recessive and X-Linked Classification Criteria (2023). Collection method: clinical testing. Allele origin: unknown.
Comment: This variant is classified as a variant of uncertain significance as there is insufficient evidence to determine its impact on protein function and/or cancer risk.

Ambry Genetics
Classification: Likely benign for Hereditary cancer-predisposing syndrome. Last evaluated: 2018-10-30. Review status: criteria provided, single submitter. Criteria: Ambry Variant Classification Scheme 2023. Collection method: clinical testing. Allele origin: germline.

Institute for Biomarker Research, Medical Diagnostic Laboratories, L.L.C.
Classification: Benign for Hereditary cancer-predisposing syndrome. Last evaluated: 2021-09-27. Review status: no assertion criteria provided. Collection method: clinical testing. Allele origin: germline. Not counted in ClinVar's aggregate classification.

Counsyl
Classification: Uncertain significance for Fanconi anemia complementation group J. Last evaluated: 2016-09-16. Review status: no assertion criteria provided. Collection method: clinical testing. Allele origin: unknown. Not counted in ClinVar's aggregate classification.

Counsyl
Classification: Uncertain significance for Ovarian cancer. Last evaluated: 2016-09-16. Review status: no assertion criteria provided. Collection method: clinical testing. Allele origin: unknown. Not counted in ClinVar's aggregate classification.

Literature cited by the submitters: PubMed 17033622 (cited by 3 submitters); PubMed 25980754 (cited by 4 submitters); PubMed 34570441 (cited by 3 submitters); PubMed 33471991 (cited by Quest Diagnostics Nichols Institute San Juan Capistrano and Color Diagnostics, LLC DBA Color Health).

NM_032043.3(BRIP1):c.370A>G (p.Thr124Ala)

Gene: BRIP1 (BRCA1 interacting DNA helicase 1; minus strand). Cytogenetic location: 17q23.2.
Variant type: single nucleotide variant.
Coding change: c.370A>G on transcript NM_032043.3 (MANE Select); coding-DNA position 370, A replaced by G.
Protein change: p.Thr124Ala; replaces threonine 124 with alanine.
Molecular consequence: missense variant.
Genome position (GRCh38, 1-based): chr17:61,857,067, T>C on the plus strand (A>G on the coding strand, the complement: BRIP1 is on the minus strand). VCF-style: chr17-61857067-T-C. GRCh37 (hg19) VCF-style: chr17-59934428-T-C.
Other names: p.T124A:ACT>GCT; short protein forms T124A.
Identifiers: ClinVar variation 182371 (VCV000182371.31), dbSNP rs45617634, ClinGen allele CA298931.
Genomic context (GRCh38, chr17:61,857,067, plus strand): 5'-ATTAAGACTCTTATTACAGATATCAACTGACCCAGGCAAAATATAAATTACCTTGACAAG[T>C]TGATGAAGTGCCATTTCTTTCAGAAGGTGGTGTGCTTGGATAGTTGAAATGACGTGAAGT-3'
Protein context (NP_114432.2, residues 114-134): PPSERNGTSS[Thr124Ala]CQDSPEKTTL